The following is an entry in ClinVar:

NM_001085487.3(MYSM1):c.1843-6T>A

Gene: MYSM1 (Myb like, SWIRM and MPN domains 1; minus strand). Cytogenetic location: 1p32.1.
Variant type: single nucleotide variant.
Coding change: c.1843-6T>A on transcript NM_001085487.3 (MANE Select); 6 bases into the intron before coding-DNA position 1843, T replaced by A.
Molecular consequence: intron variant.
Genome position (GRCh38, 1-based): chr1:58,667,232, A>T on the plus strand (T>A on the coding strand, the complement: MYSM1 is on the minus strand). VCF-style: chr1-58667232-A-T. GRCh37 (hg19) VCF-style: chr1-59132904-A-T.
Identifiers: ClinVar variation 2021175 (VCV002021175.4), dbSNP rs2524175998, ClinGen allele CA2580063073.

ClinVar aggregate classification (germline): Uncertain significance (1 of 4 stars; one submission).

Submission:

Labcorp Genetics (formerly Invitae), Labcorp
Classification: Uncertain significance. Last evaluated: 2022-08-02. Review status: criteria provided, single submitter. Criteria: Invitae Variant Classification Sherloc (09022015). Collection method: clinical testing. Allele origin: germline.
Comment: In summary, the available evidence is currently insufficient to determine the role of this variant in disease. Therefore, it has been classified as a Variant of Uncertain Significance. Algorithms developed to predict the effect of sequence changes on RNA splicing suggest that this variant may disrupt the consensus splice site. This variant has not been reported in the literature in individuals affected with MYSM1-related conditions. This variant is not present in population databases (gnomAD no frequency). This sequence change falls in intron 15 of the MYSM1 gene. It does not directly change the encoded amino acid sequence of the MYSM1 protein.